The following is an entry in ClinVar:

ClinVar aggregate classification (germline): Pathogenic (1 of 4 stars; one submission).

Submission:

Dasa
Classification: Pathogenic. Last evaluated: 2025-06-20. Review status: criteria provided, single submitter. Criteria: DASA Assertion Criteria. Collection method: clinical testing. Allele origin: germline.
Comment: NM_000138.5(FBN1):c.986dup (p.Asp330Argfs*18) is a frameshift variant in FBN1 predicted to alter the reading frame and introduce a premature termination codon and is predicted to result in an absent or altered protein product. Loss of function is an established disease mechanism for FBN1 (PMID: 17701892; PMID: 30286810; PMID: 21063442). This variant has been reported in individuals with FBN1-related disorders (PMID: 29907982). Also, this variant is absent from population databases. Based on the currently available evidence, this variant is classified as pathogenic.

Literature cited by the submitters: PubMed 29907982; PubMed 17701892; PubMed 30286810; PubMed 21063442.

NM_000138.5(FBN1):c.986dup (p.Asp330fs)

Gene: FBN1 (fibrillin 1; minus strand). Cytogenetic location: 15q21.1.
Variant type: Duplication.
Coding change: c.986dup on transcript NM_000138.5 (MANE Select); coding-DNA position 986, one base duplicated (T; older notation c.986dupT).
Protein change: p.Asp330fs; shifts the reading frame from aspartic acid 330.
Molecular consequence: frameshift variant.
Genome position (GRCh38, 1-based): chr15:48,526,132, A duplicated on the plus strand (T on the coding strand, the reverse complement: FBN1 is on the minus strand). VCF-style (leftmost placement, unchanged base first): chr15-48526131-T-TA. GRCh37 (hg19) VCF-style: chr15-48818328-T-TA.
Other names: c.986dup, p.Asp330fs (NM_001406716.1); short protein forms D330fs.
Identifiers: ClinVar variation 4880587 (VCV004880587.2).